The following is an entry in ClinVar:

NM_000179.3(MSH6):c.2647A>T (p.Lys883Ter)

Gene: MSH6 (mutS homolog 6; plus strand). Cytogenetic location: 2p16.3.
Variant type: single nucleotide variant.
Coding change: c.2647A>T on transcript NM_000179.3 (MANE Select); coding-DNA position 2647, A replaced by T.
Protein change: p.Lys883Ter; replaces lysine 883 with a stop codon.
Molecular consequence: nonsense.
Genome position (GRCh38, 1-based): chr2:47,800,630, A>T. VCF-style: chr2-47800630-A-T. GRCh37 (hg19) VCF-style: chr2-48027769-A-T.
Other names: c.2257A>T, p.Lys753Ter (NM_001281492.2); c.1741A>T, p.Lys581Ter (NM_001281493.2, NM_001281494.2); short protein forms K883*, K753*, K581*.
Identifiers: ClinVar variation 849147 (VCV000849147.11), dbSNP rs1669491751, ClinGen allele CA346755146.

ClinVar aggregate classification (germline): Pathogenic. Review status: criteria provided, multiple submitters, no conflicts (2 of 4 stars). 3 submissions from 3 submitters: Pathogenic (3). Last evaluated 2024-03-29.

Conditions:
Hereditary nonpolyposis colorectal neoplasms. Identifiers: MedGen C0009405, MeSH D003123.
Lynch syndrome 5 (LYNCH5). Also called: Colorectal cancer, hereditary nonpolyposis, type 5; Hereditary non-polyposis colorectal cancer, type 5. Identifiers: Orphanet 144, MedGen C1833477, MONDO:0013710, OMIM 614350. Disease mechanism: loss of function.
Hereditary nonpolyposis colon cancer (HNPCC). Also called: Hereditary Nonpolyposis Colorectal Cancer Syndrome; Hereditary nonpolyposis colorectal cancer; Familial nonpolyposis colon cancer. Identifiers: Orphanet 443909, MedGen C1333990, MONDO:0018630. Disease mechanism: loss of function.

Submissions (3):

Women's Health and Genetics/Laboratory Corporation of America, LabCorp
Classification: Pathogenic for Hereditary nonpolyposis colon cancer. Last evaluated: 2024-03-29. Review status: criteria provided, single submitter. Criteria: LabCorp Variant Classification Summary - May 2015. Collection method: clinical testing. Allele origin: germline.
Comment: Variant summary: MSH6 c.2647A>T (p.Lys883X) results in a premature termination codon, predicted to cause a truncation of the encoded protein or absence of the protein due to nonsense mediated decay, which is a commonly known mechanism for MSH6 associated Lynch syndrome. The variant was absent in 250492 control chromosomes. ClinVar contains an entry for this variant (Variation ID: 849147). Based on the evidence outlined above, the variant was classified as pathogenic.

Labcorp Genetics (formerly Invitae), Labcorp
Classification: Pathogenic for Hereditary nonpolyposis colorectal neoplasms. Last evaluated: 2024-03-09. Review status: criteria provided, single submitter. Criteria: Invitae Variant Classification Sherloc (09022015). Collection method: clinical testing. Allele origin: germline.
Comment: This sequence change creates a premature translational stop signal (p.Lys883*) in the MSH6 gene. It is expected to result in an absent or disrupted protein product. Loss-of-function variants in MSH6 are known to be pathogenic (PMID: 18269114, 24362816). This variant is not present in population databases (gnomAD no frequency). This variant has not been reported in the literature in individuals affected with MSH6-related conditions. ClinVar contains an entry for this variant (Variation ID: 849147). For these reasons, this variant has been classified as Pathogenic.

Myriad Genetics, Inc.
Classification: Pathogenic for Lynch syndrome 5. Last evaluated: 2023-08-17. Review status: criteria provided, single submitter. Criteria: Myriad Autosomal Dominant, Autosomal Recessive and X-Linked Classification Criteria (2023). Collection method: clinical testing. Allele origin: unknown.
Comment: This variant is considered pathogenic. This variant creates a termination codon and is predicted to result in premature protein truncation.

Literature cited by the submitters: PubMed 18269114 (cited by Labcorp Genetics (formerly Invitae), Labcorp); PubMed 24362816 (cited by Labcorp Genetics (formerly Invitae), Labcorp).